The following is an entry in ClinVar:

ClinVar aggregate classification (germline): Uncertain significance (1 of 4 stars; one submission).

Conditions:
Primary dilated cardiomyopathy (DCM). Also called: Dilated Cardiomyopathy. Identifiers: Orphanet 217604, MedGen C0007193, MeSH D002311, MONDO:0005021, HP:0001644. Inheritance: Various modes of inheritance.

Submission:

Labcorp Genetics (formerly Invitae), Labcorp
Classification: Uncertain significance for Primary dilated cardiomyopathy. Last evaluated: 2025-01-19. Review status: criteria provided, single submitter. Criteria: Invitae Variant Classification Sherloc (09022015). Collection method: clinical testing. Allele origin: germline.
Comment: This sequence change affects codon 372 of the NEBL mRNA. It is a 'silent' change, meaning that it does not change the encoded amino acid sequence of the NEBL protein. It affects a nucleotide within the consensus splice site. This variant is not present in population databases (gnomAD no frequency). This variant has not been reported in the literature in individuals affected with NEBL-related conditions. Algorithms developed to predict the effect of sequence changes on RNA splicing suggest that this variant is not likely to affect RNA splicing. In summary, the available evidence is currently insufficient to determine the role of this variant in disease. Therefore, it has been classified as a Variant of Uncertain Significance.

NM_006393.3(NEBL):c.1116A>G (p.Glu372=)

Gene: NEBL (nebulette; minus strand). Cytogenetic location: 10p12.31.
Variant type: single nucleotide variant.
Coding change: c.1116A>G on transcript NM_006393.3 (MANE Select); coding-DNA position 1116, A replaced by G.
Protein change: p.Glu372=; no amino-acid change (glutamic acid 372 retained).
Molecular consequence: synonymous variant. On other transcripts: intron variant (9).
Genome position (GRCh38, 1-based): chr10:20,850,395, T>C on the plus strand (A>G on the coding strand, the complement: NEBL is on the minus strand). VCF-style: chr10-20850395-T-C. GRCh37 (hg19) VCF-style: chr10-21139324-T-C.
Other names: c.250-37455A>G (NM_001377326.1, NM_001377327.1, NM_001377328.1); c.358-37455A>G (NM_213569.2, NM_001173484.2, NM_001377322.1); c.301-37455A>G (NM_001377324.1); c.292-37455A>G (NM_001377325.1); c.310-37455A>G (NM_001377323.1).
Identifiers: ClinVar variation 3630730 (VCV003630730.2).